The following is an entry in ClinVar:

NM_000179.3(MSH6):c.3215_3238dup (p.Ile1079_Leu1080insArgProMetCysArgProValIle)

Gene: MSH6 (mutS homolog 6; plus strand). Cytogenetic location: 2p16.3.
Variant type: Duplication.
Coding change: c.3215_3238dup on transcript NM_000179.3 (MANE Select); coding-DNA positions 3215 to 3238, 24 bases duplicated (GTCCTATGTGTCGCCCAGTAATTC).
Protein change: p.Ile1079_Leu1080insArgProMetCysArgProValIle.
Molecular consequence: inframe insertion. On other transcripts: inframe indel (37).
Genome position (GRCh38, 1-based): chr2:47,803,462-47,803,485, GTCCTATGTGTCGCCCAGTAATTC duplicated. VCF-style (leftmost placement, unchanged base first): chr2-47803461-G-GGTCCTATGTGTCGCCCAGTAATTC. GRCh37 (hg19) VCF-style: chr2-48030600-G-GGTCCTATGTGTCGCCCAGTAATTC.
Other names: c.2825_2848dup, p.Ile949_Leu950insArgProMetCysArgProValIle (NM_001281492.2); c.2309_2332dup, p.Ile777_Leu778insArgProMetCysArgProValIle (NM_001281493.2, NM_001281494.2, NM_001406811.1 and 6 more transcripts); c.3311_3334dup, p.Ile1111_Leu1112insArgProMetCysArgProValIle (NM_001406795.1, NM_001406802.1); c.3215_3238dup, p.Ile1079_Leu1080insArgProMetCysArgProValIle (NM_001406796.1, NM_001406800.1, NM_001406808.1 and 1 more transcripts); c.2918_2941dup, p.Ile980_Leu981insArgProMetCysArgProValIle (NM_001406797.1, NM_001406801.1, NM_001406805.1 and 10 more transcripts); c.2690_2713dup, p.Ile904_Leu905insArgProMetCysArgProValIle (NM_001406799.1, NM_001406806.1, NM_001406807.1); c.2351_2374dup, p.Ile791_Leu792insArgProMetCysArgProValIle (NM_001406803.1); c.3137_3160dup, p.Ile1053_Leu1054insArgProMetCysArgProValIle (NM_001406804.1); and 7 more.
Identifiers: ClinVar variation 1728977 (VCV001728977.2), dbSNP rs2530760268, ClinGen allele CA2580066965.

ClinVar aggregate classification (germline): Uncertain significance (1 of 4 stars; one submission).

Conditions:
Hereditary cancer-predisposing syndrome. Also called: Tumor predisposition; Neoplastic Syndromes, Hereditary; Hereditary Cancer Syndrome; Hereditary neoplastic syndrome. Identifiers: Orphanet 140162, MedGen C0027672, MeSH D009386, MONDO:0015356.

Submission:

Ambry Genetics
Classification: Uncertain significance for Hereditary cancer-predisposing syndrome. Last evaluated: 2017-10-10. Review status: criteria provided, single submitter. Criteria: Ambry Variant Classification Scheme 2023. Collection method: clinical testing. Allele origin: germline.
Comment: The c.3215_3238dup24 variant (also known as p.I1079_L1080insRPMCRPVI), located in coding exon 5 of the MSH6 gene, results from an in-frame duplication of 24 nucleotides at nucleotide positions 3215 to 3238. This results in the duplication of 8 extra residues (RPMCRPVI) between codons 1079 and 1080. Since supporting evidence is limited at this time, the clinical significance of this alteration remains unclear.